The following is an entry in ClinVar:

ClinVar aggregate classification (germline): Likely benign (0 of 4 stars; one submission).

Conditions:
SEMA3C-related disorder. Also called: SEMA3C-related condition.

gnomAD v4.1: 7 of 1,610,984 alleles (0.00043%); highest among the groups gnomAD compares: Non-Finnish European, 0.00059%; no homozygotes.

Submission:

PreventionGenetics, part of Exact Sciences
Classification: Likely benign for SEMA3C-related condition. Last evaluated: 2021-10-06. Review status: no assertion criteria provided. Collection method: clinical testing. Allele origin: germline.
Comment: This variant is classified as likely benign based on ACMG/AMP sequence variant interpretation guidelines (Richards et al. 2015 PMID: 25741868, with internal and published modifications).

NM_006379.5(SEMA3C):c.1362T>C (p.Gly454=)

Gene: SEMA3C (semaphorin 3C; minus strand). Cytogenetic location: 7q21.11.
Variant type: single nucleotide variant.
Coding change: c.1362T>C on transcript NM_006379.5 (MANE Select); coding-DNA position 1362, T replaced by C.
Protein change: p.Gly454=; no amino-acid change (glycine 454 retained).
Molecular consequence: synonymous variant.
Genome position (GRCh38, 1-based): chr7:80,765,236, A>G on the plus strand (T>C on the coding strand, the complement: SEMA3C is on the minus strand). VCF-style: chr7-80765236-A-G. GRCh37 (hg19) VCF-style: chr7-80394552-A-G.
Other names: c.1416T>C, p.Gly472= (NM_001350120.2); c.1188T>C, p.Gly396= (NM_001350121.2).
Identifiers: ClinVar variation 3354845 (VCV003354845.1).